The following is an entry in ClinVar:

NM_001290060.2(SEMA3B):c.1138-3C>T

Gene: SEMA3B (semaphorin 3B; plus strand). Cytogenetic location: 3p21.31.
Variant type: single nucleotide variant.
Coding change: c.1138-3C>T on transcript NM_001290060.2 (MANE Select); 3 bases into the intron before coding-DNA position 1138, C replaced by T.
Molecular consequence: intron variant.
Genome position (GRCh38, 1-based): chr3:50,274,360, C>T. VCF-style: chr3-50274360-C-T. GRCh37 (hg19) VCF-style: chr3-50311791-C-T.
Other names: c.1135-3C>T (NM_001435958.1, NM_001435957.1, NM_001005914.3); c.1138-3C>T (NM_001435956.1, NM_004636.4); c.1153-3C>T (NM_001290061.1); c.109-3C>T (NM_001290062.2, NM_001290063.2).
Identifiers: ClinVar variation 4991546 (VCV004991546.1).

ClinVar aggregate classification (germline): Uncertain significance (1 of 4 stars; one submission).

Conditions:
SEMA3B-related disorder. Also called: SEMA3B-related condition.

Submission:

PreventionGenetics, part of Exact Sciences
Classification: Uncertain significance for SEMA3B-related condition. Last evaluated: 2025-08-18. Review status: criteria provided, single submitter. Criteria: ACMG Guidelines, 2015. Collection method: clinical testing. Allele origin: germline.
Comment: The SEMA3B c.1153-3C>T variant is predicted to interfere with splicing. To our knowledge, this variant has not been reported in the literature or in a large population database (gnomAD), indicating this variant is rare. At this time, the clinical significance of this variant is uncertain due to the absence of conclusive functional and genetic evidence.